The following is an entry in ClinVar:

NM_007194.4(CHEK2):c.108G>A (p.Gln36=)

Gene: CHEK2 (checkpoint kinase 2; minus strand). Cytogenetic location: 22q12.1.
Variant type: single nucleotide variant.
Coding change: c.108G>A on transcript NM_007194.4 (MANE Select); coding-DNA position 108, G replaced by A.
Protein change: p.Gln36=; no amino-acid change (glutamine 36 retained).
Molecular consequence: synonymous variant.
Genome position (GRCh38, 1-based): chr22:28,734,614, C>T on the plus strand (G>A on the coding strand, the complement: CHEK2 is on the minus strand). VCF-style: chr22-28734614-C-T. GRCh37 (hg19) VCF-style: chr22-29130602-C-T.
Other names: c.108G>A, p.Gln36= (NM_001005735.3, NM_001349956.3, NM_145862.3); c.-670G>A (NM_001257387.3).
Identifiers: ClinVar variation 232840 (VCV000232840.14), dbSNP rs876660021, ClinGen allele CA10581114.
Genomic context (GRCh38, chr22:28,734,614, plus strand): 5'-GCTGGAGTGAGAGGACTGGCTGGAGTTTGGCATCGTGCTGGTAGAGGAGCTGGATATGCC[C>T]TGGGACTGTGAGGAGGAGCCTTGGGACTGGGTAACGCTGCCATGGGGCTGTGAACAGGCA-3'
Protein context (NP_009125.1, residues 26-46): TQSQGSSSQS[Gln36=]GISSSSTSTM

ClinVar aggregate classification (germline): Likely benign. Review status: criteria provided, multiple submitters, no conflicts (2 of 4 stars). 3 submissions from 3 submitters: Likely benign (3). Last evaluated 2023-05-13.

Conditions:
Hereditary cancer-predisposing syndrome. Also called: Neoplastic Syndromes, Hereditary; Tumor predisposition; Hereditary Cancer Syndrome; Hereditary neoplastic syndrome. Identifiers: Orphanet 140162, MedGen C0027672, MeSH D009386, MONDO:0015356.
Familial cancer of breast. Also called: BREAST CANCER, FAMILIAL; hereditary breast carcinoma; Hereditary breast cancer. Identifiers: Orphanet 227535, MedGen C0346153, MONDO:0016419, OMIM 114480. Disease mechanism: loss of function.

Allele frequency attached by ClinVar (database versions not stated): gnomAD exomes 0.00001.
gnomAD v4.1: 15 of 1,613,816 alleles (0.00093%); highest among the groups gnomAD compares: Non-Finnish European, 0.0013%; no homozygotes.

Submissions (3):

Labcorp Genetics (formerly Invitae), Labcorp
Classification: Likely benign for Familial cancer of breast. Last evaluated: 2023-05-13. Review status: criteria provided, single submitter. Criteria: Invitae Variant Classification Sherloc (09022015). Collection method: clinical testing. Allele origin: germline.

GeneDx
Classification: Likely benign. Last evaluated: 2017-06-21. Review status: criteria provided, single submitter. Criteria: GeneDx Variant Classification (06012015). Collection method: clinical testing. Allele origin: germline. Affected: yes.
Comment: This variant is considered likely benign or benign based on one or more of the following criteria: it is a conservative change, it occurs at a poorly conserved position in the protein, it is predicted to be benign by multiple in silico algorithms, and/or has population frequency not consistent with disease.

Ambry Genetics
Classification: Likely benign for Hereditary cancer-predisposing syndrome. Last evaluated: 2015-07-15. Review status: criteria provided, single submitter. Criteria: Ambry Variant Classification Scheme 2023. Collection method: clinical testing. Allele origin: germline.